The following is an entry in ClinVar:

ClinVar aggregate classification (germline): Uncertain significance (1 of 4 stars; one submission).

Conditions:
Cardiomyopathy, familial restrictive, 3. Identifiers: Orphanet 75249, MedGen C2676271, MONDO:0012900, OMIM 612422.
Hypertrophic cardiomyopathy 2. Also called: TNNT2-Related Familial Hypertrophic Cardiomyopathy. Identifiers: MedGen C1861864, MONDO:0007266, OMIM 115195.
Dilated cardiomyopathy 1D. Identifiers: Orphanet 154, Orphanet 54260, MedGen C1832243, MONDO:0011095, OMIM 601494.

Submission:

Labcorp Genetics (formerly Invitae), Labcorp
Classification: Uncertain significance for Cardiomyopathy, familial restrictive, 3; Hypertrophic cardiomyopathy 2; Dilated cardiomyopathy 1D. Last evaluated: 2023-05-05. Review status: criteria provided, single submitter. Criteria: Invitae Variant Classification Sherloc (09022015). Collection method: clinical testing. Allele origin: germline.
Comment: This sequence change replaces glutamic acid, which is acidic and polar, with valine, which is neutral and non-polar, at codon 44 of the TNNT2 protein (p.Glu44Val). In summary, the available evidence is currently insufficient to determine the role of this variant in disease. Therefore, it has been classified as a Variant of Uncertain Significance. Experimental studies and prediction algorithms are not available or were not evaluated, and the functional significance of this variant is currently unknown. This variant has not been reported in the literature in individuals affected with TNNT2-related conditions. This variant is not present in population databases (gnomAD no frequency).

NM_001276345.2(TNNT2):c.161A>T (p.Glu54Val)

Gene: TNNT2 (troponin T2, cardiac type; minus strand). Cytogenetic location: 1q32.1.
Variant type: single nucleotide variant.
Coding change: c.161A>T on transcript NM_001276345.2 (MANE Select); coding-DNA position 161, A replaced by T.
Protein change: p.Glu54Val; replaces glutamic acid 54 with valine.
Molecular consequence: missense variant.
Genome position (GRCh38, 1-based): chr1:201,368,164, T>A on the plus strand (A>T on the coding strand, the complement: TNNT2 is on the minus strand). VCF-style: chr1-201368164-T-A. GRCh37 (hg19) VCF-style: chr1-201337292-T-A.
Other names: c.161A>T, p.Glu54Val (NM_000364.4, NM_001276346.2, NM_001406723.1); c.131A>T, p.Glu44Val (NM_001001430.3, NM_001001431.3, NM_001276347.2 and 4 more transcripts); c.116A>T, p.Glu39Val (NM_001001432.3, NM_001406728.1); short protein forms E54V, E39V, E44V.
Identifiers: ClinVar variation 2937583 (VCV002937583.3), dbSNP rs2527079101, ClinGen allele CA344207185.